The following is an entry in ClinVar:

ClinVar aggregate classification (germline): Uncertain significance (1 of 4 stars; one submission).

Conditions:
LEPR-related disorder. Also called: LEPR-related condition; LEPR-related disorders.

gnomAD v4.1: 14 of 1,613,350 alleles (0.00087%); highest among the groups gnomAD compares: East Asian, 0.031%; no homozygotes.

Submission:

PreventionGenetics, part of Exact Sciences
Classification: Uncertain significance for LEPR-related condition. Last evaluated: 2025-12-08. Review status: criteria provided, single submitter. Criteria: ACMG Guidelines, 2015. Collection method: clinical testing. Allele origin: germline.
Comment: The LEPR c.52G>C variant is predicted to result in the amino acid substitution p.Val18Leu. To our knowledge, this variant has not been reported in the literature. This variant is reported in 0.054% of alleles in individuals of East Asian descent in gnomAD. At this time, the clinical significance of this variant is uncertain due to the absence of conclusive functional and genetic evidence.

NM_002303.6(LEPR):c.52G>C (p.Val18Leu)

Gene: LEPR (leptin receptor; plus strand). Cytogenetic location: 1p31.3.
Variant type: single nucleotide variant.
Coding change: c.52G>C on transcript NM_002303.6 (MANE Select); coding-DNA position 52, G replaced by C.
Protein change: p.Val18Leu; replaces valine 18 with leucine.
Molecular consequence: missense variant.
Genome position (GRCh38, 1-based): chr1:65,570,484, G>C. VCF-style: chr1-65570484-G-C. GRCh37 (hg19) VCF-style: chr1-66036167-G-C.
Other names: c.52G>C, p.Val18Leu (NM_001003679.3, NM_001003680.3, NM_001198687.2 and 2 more transcripts); short protein forms V18L.
Identifiers: ClinVar variation 4982771 (VCV004982771.1).